The following is an entry in ClinVar:

ClinVar aggregate classification (germline): Uncertain significance (1 of 4 stars; one submission).

Conditions:
Neuronopathy, distal hereditary motor, type 2C. Also called: HMN IIC; NEUROPATHY, DISTAL HEREDITARY MOTOR, AUTOSOMAL DOMINANT 4; NEURONOPATHY, DISTAL HEREDITARY MOTOR, HARDING TYPE IIC; NEUROPATHY, DISTAL HEREDITARY MOTOR, HARDING TYPE IIC. Identifiers: Orphanet 139525, MedGen C3150619, MONDO:0013243, OMIM 613376.

Allele frequency attached by ClinVar (database versions not stated): gnomAD exomes 0.00001; ExAC 0.00002.
gnomAD v4.1: 13 of 1,614,080 alleles (0.00081%); highest among the groups gnomAD compares: South Asian, 0.0088%; no homozygotes.

Submission:

Labcorp Genetics (formerly Invitae), Labcorp
Classification: Uncertain significance for Neuronopathy, distal hereditary motor, type 2C. Last evaluated: 2017-07-20. Review status: criteria provided, single submitter. Criteria: Invitae Variant Classification Sherloc (09022015). Collection method: clinical testing. Allele origin: germline.
Comment: In summary, the available evidence is currently insufficient to determine the role of this variant in disease. Therefore, it has been classified as a Variant of Uncertain Significance. Algorithms developed to predict the effect of missense changes on protein structure and function output the following: SIFT: "Tolerated"; PolyPhen-2: "Benign"; Align-GVGD: "Class C0". The glutamine amino acid residue is found in multiple mammalian species, suggesting that this missense change does not adversely affect protein function. These predictions have not been confirmed by published functional studies and their clinical significance is uncertain. This variant has not been reported in the literature in individuals with HSPB3-related disease. This variant is present in population databases (rs371683736, ExAC 0.01%). This sequence change replaces arginine with glutamine at codon 65 of the HSPB3 protein (p.Arg65Gln). The arginine residue is weakly conserved and there is a small physicochemical difference between arginine and glutamine.

NM_006308.3(HSPB3):c.194G>A (p.Arg65Gln)

Gene: HSPB3 (heat shock protein family B (small) member 3; plus strand). Cytogenetic location: 5q11.2.
Variant type: single nucleotide variant.
Coding change: c.194G>A on transcript NM_006308.3 (MANE Select); coding-DNA position 194, G replaced by A.
Protein change: p.Arg65Gln; replaces arginine 65 with glutamine.
Molecular consequence: missense variant.
Genome position (GRCh38, 1-based): chr5:54,455,983, G>A. VCF-style: chr5-54455983-G-A. GRCh37 (hg19) VCF-style: chr5-53751813-G-A.
Other names: short protein forms R65Q.
Identifiers: ClinVar variation 471412 (VCV000471412.9), dbSNP rs371683736, ClinGen allele CA3264630.
Genomic context (GRCh38, chr5:54,455,983, plus strand): 5'-TGAGGAAAACCAGGGCAGCGCAGTCTCCTCCAGTGGACTCAGCGGCAGAGACGCCACCCC[G>A]AGAAGGCAAATCCCACTTTCAGATCCTGCTGGACGTGGTCCAGTTCCTCCCTGAAGACAT-3'
Protein context (NP_006299.1, residues 55-75): PVDSAAETPP[Arg65Gln]EGKSHFQILL